The following is an entry in ClinVar:

NM_144988.4(ALG14):c.86T>C (p.Met29Thr)

Genes: ALG14 (ALG14 UDP-N-acetylglucosaminyltransferase subunit; minus strand), LOC129930989 (ATAC-STARR-seq lymphoblastoid active region 1353; plus strand). Cytogenetic location: 1p21.3.
Variant type: single nucleotide variant.
Coding change: c.86T>C on transcript NM_144988.4 (MANE Select); coding-DNA position 86, T replaced by C.
Protein change: p.Met29Thr; replaces methionine 29 with threonine.
Molecular consequence: missense variant. On other transcripts: non-coding transcript variant (1).
Genome position (GRCh38, 1-based): chr1:95,072,813, A>G on the plus strand (T>C on the coding strand, the complement: ALG14 is on the minus strand). VCF-style: chr1-95072813-A-G. GRCh37 (hg19) VCF-style: chr1-95538369-A-G.
Other names: c.86T>C, p.Met29Thr (NM_001305242.2); short protein forms M29T.
Identifiers: ClinVar variation 542124 (VCV000542124.8), dbSNP rs1156822888, ClinGen allele CA341367180.

ClinVar aggregate classification (germline): Uncertain significance (1 of 4 stars; one submission).

Conditions:
Congenital myasthenic syndrome 15. Also called: Myasthenic syndrome, congenital, 15, without tubular aggregates. Identifiers: Orphanet 353327, Orphanet 590, MedGen C4015596, MONDO:0014542, OMIM 616227.

Allele frequency attached by ClinVar (database versions not stated): gnomAD exomes below 0.00001 and 0.00001.
gnomAD v4.1: 16 of 1,614,192 alleles (0.00099%); highest among the groups gnomAD compares: Non-Finnish European, 0.0013%; no homozygotes.

Submission:

Labcorp Genetics (formerly Invitae), Labcorp
Classification: Uncertain significance for Congenital myasthenic syndrome 15. Last evaluated: 2017-12-11. Review status: criteria provided, single submitter. Criteria: Invitae Variant Classification Sherloc (09022015). Collection method: clinical testing. Allele origin: germline.
Comment: This sequence change replaces methionine with threonine at codon 29 of the ALG14 protein (p.Met29Thr). The methionine residue is weakly conserved and there is a moderate physicochemical difference between methionine and threonine. This variant is not present in population databases (ExAC no frequency). This variant has not been reported in the literature in individuals with ALG14-related disease. Algorithms developed to predict the effect of missense changes on protein structure and function (SIFT, PolyPhen-2, Align-GVGD) all suggest that this variant is likely to be tolerated, but these predictions have not been confirmed by published functional studies and their clinical significance is uncertain. In summary, the available evidence is currently insufficient to determine the role of this variant in disease. Therefore, it has been classified as a Variant of Uncertain Significance.